The following is an entry in ClinVar:

ClinVar aggregate classification (germline): Uncertain significance (1 of 4 stars; one submission).

Conditions:
Hereditary cancer-predisposing syndrome. Also called: Hereditary neoplastic syndrome; Neoplastic Syndromes, Hereditary; Tumor predisposition; Hereditary Cancer Syndrome. Identifiers: Orphanet 140162, MedGen C0027672, MeSH D009386, MONDO:0015356.

Submission:

Ambry Genetics
Classification: Uncertain significance for Hereditary cancer-predisposing syndrome. Last evaluated: 2025-08-27. Review status: criteria provided, single submitter. Criteria: Ambry Variant Classification Scheme 2023. Collection method: clinical testing. Allele origin: germline.
Comment: The p.R115T variant (also known as c.344G>C), located in coding exon 3 of the MUTYH gene, results from a G to C substitution at nucleotide position 344. The arginine at codon 115 is replaced by threonine, an amino acid with similar properties. This amino acid position is conserved. In addition, this alteration is predicted to be tolerated by in silico analysis. Based on the available evidence, the clinical significance of this variant remains unclear.

NM_001048174.2(MUTYH):c.260G>C (p.Arg87Thr)

Gene: MUTYH (mutY DNA glycosylase; minus strand). Cytogenetic location: 1p34.1.
Variant type: single nucleotide variant.
Coding change: c.260G>C on transcript NM_001048174.2 (MANE Select); coding-DNA position 260, G replaced by C.
Protein change: p.Arg87Thr; replaces arginine 87 with threonine.
Molecular consequence: missense variant. On other transcripts: 5 prime UTR variant (6), non-coding transcript variant (7).
Genome position (GRCh38, 1-based): chr1:45,333,417, C>G on the plus strand (G>C on the coding strand, the complement: MUTYH is on the minus strand). VCF-style: chr1-45333417-C-G. GRCh37 (hg19) VCF-style: chr1-45799089-C-G.
Other names: c.344G>C, p.Arg115Thr (NM_001128425.2); c.305G>C, p.Arg102Thr (NM_001293190.2); c.293G>C, p.Arg98Thr (NM_001293191.2, NM_001407077.1); c.-17G>C (NM_001293192.2, NM_001293196.2, NM_001407091.1); c.260G>C, p.Arg87Thr (NM_001293195.2, NM_001407070.1, NM_001407072.1 and 6 more transcripts); c.-12G>C (NM_001350650.2, NM_001350651.2, NM_001407082.1); c.335G>C, p.Arg112Thr (NM_001407069.1, NM_012222.3); c.263G>C, p.Arg88Thr (NM_001407071.1, NM_001407078.1, NM_001407079.1 and 2 more transcripts); and 3 more; short protein forms R87T, R98T, R115T, R101T, R94T, R102T, R112T, R59T.
Identifiers: ClinVar variation 4113607 (VCV004113607.1).
Genomic context (GRCh38, chr1:45,333,417, plus strand): 5'-TGGAGGGGGCTGGGTGCCTGCCTCCCACCCACTGTCCCTGCTCCTCGCCTGCCTACCCGT[C>G]TTCTCCATGGTAGGTCCCGTTTCTCTTGGTCGTACCAGCTTAGCAGGCTCCCTCGGAAGG-3'
Protein context (NP_001041639.1, residues 77-97): DQEKRDLPWR[Arg87Thr]RAEDEMDLDR